The following is an entry in ClinVar:

NM_000171.4(GLRA1):c.1258C>T (p.Arg420Cys)

Gene: GLRA1 (glycine receptor alpha 1; minus strand). Cytogenetic location: 5q33.1.
Variant type: single nucleotide variant.
Coding change: c.1258C>T on transcript NM_000171.4 (MANE Select); coding-DNA position 1258, C replaced by T.
Protein change: p.Arg420Cys; replaces arginine 420 with cysteine.
Molecular consequence: missense variant.
Genome position (GRCh38, 1-based): chr5:151,822,765, G>A on the plus strand (C>T on the coding strand, the complement: GLRA1 is on the minus strand). VCF-style: chr5-151822765-G-A. GRCh37 (hg19) VCF-style: chr5-151202326-G-A.
Other names: c.1282C>T, p.Arg428Cys (NM_001146040.2); c.1009C>T, p.Arg337Cys (NM_001292000.2); short protein forms R428C, R337C, R420C.
Identifiers: ClinVar variation 1897615 (VCV001897615.5), dbSNP rs182383995, ClinGen allele CA3523469.

ClinVar aggregate classification (germline): Likely pathogenic (1 of 4 stars; one submission).

Conditions:
Hereditary hyperekplexia. Identifiers: Orphanet 3197, MedGen C4084968, MONDO:0021022.

Allele frequency attached by ClinVar (database versions not stated): gnomAD exomes below 0.00001; ExAC 0.00001; gnomAD 0.00001; 1000 Genomes Project 0.00020; 1000 Genomes Project 30x 0.00031.
gnomAD v4.1: 7 of 1,613,710 alleles (0.00043%); highest among the groups gnomAD compares: East Asian, 0.0022%; no homozygotes.

Submission:

Labcorp Genetics (formerly Invitae), Labcorp
Classification: Likely pathogenic for Hereditary hyperekplexia. Last evaluated: 2024-08-21. Review status: criteria provided, single submitter. Criteria: Invitae Variant Classification Sherloc (09022015). Collection method: clinical testing. Allele origin: germline.
Comment: This sequence change replaces arginine, which is basic and polar, with cysteine, which is neutral and slightly polar, at codon 420 of the GLRA1 protein (p.Arg420Cys). This variant is present in population databases (rs182383995, gnomAD 0.006%). This variant has not been reported in the literature in individuals affected with GLRA1-related conditions. ClinVar contains an entry for this variant (Variation ID: 1897615). Invitae Evidence Modeling of protein sequence and biophysical properties (such as structural, functional, and spatial information, amino acid conservation, physicochemical variation, residue mobility, and thermodynamic stability) indicates that this missense variant is expected to disrupt GLRA1 protein function with a positive predictive value of 95%. This variant disrupts the p.Arg420 amino acid residue in GLRA1. Other variant(s) that disrupt this residue have been determined to be pathogenic (PMID: 10514101, 20631190, 25036534). This suggests that this residue is clinically significant, and that variants that disrupt this residue are likely to be disease-causing. In summary, the currently available evidence indicates that the variant is pathogenic, but additional data are needed to prove that conclusively. Therefore, this variant has been classified as Likely Pathogenic.

Literature cited by the submitters: PubMed 10514101; PubMed 20631190; PubMed 25036534.